The following is an entry in ClinVar:

ClinVar aggregate classification (germline): Uncertain significance (1 of 4 stars; one submission).

Conditions:
Facioscapulohumeral muscular dystrophy 2 (FSHD2). Also called: MUSCULAR DYSTROPHY, FACIOSCAPULOHUMERAL, TYPE 1B; FACIOSCAPULOHUMERAL MUSCULAR DYSTROPHY 2, DIGENIC; FSHD2, DIGENIC. Identifiers: Orphanet 269, MedGen C1834671, MONDO:0008031, OMIM 158901.

Submission:

Labcorp Genetics (formerly Invitae), Labcorp
Classification: Uncertain significance for Facioscapulohumeral muscular dystrophy 2. Last evaluated: 2024-05-26. Review status: criteria provided, single submitter. Criteria: Invitae Variant Classification Sherloc (09022015). Collection method: clinical testing. Allele origin: germline.
Comment: This sequence change replaces proline, which is neutral and non-polar, with leucine, which is neutral and non-polar, at codon 1498 of the SMCHD1 protein (p.Pro1498Leu). This variant is not present in population databases (gnomAD no frequency). This variant has not been reported in the literature in individuals affected with SMCHD1-related conditions. Advanced modeling of protein sequence and biophysical properties (such as structural, functional, and spatial information, amino acid conservation, physicochemical variation, residue mobility, and thermodynamic stability) performed at Invitae indicates that this missense variant is not expected to disrupt SMCHD1 protein function with a negative predictive value of 80%. In summary, the available evidence is currently insufficient to determine the role of this variant in disease. Therefore, it has been classified as a Variant of Uncertain Significance.

NM_015295.3(SMCHD1):c.4493C>T (p.Pro1498Leu)

Gene: SMCHD1 (structural maintenance of chromosomes flexible hinge domain containing 1; plus strand). Cytogenetic location: 18p11.32.
Variant type: single nucleotide variant.
Coding change: c.4493C>T on transcript NM_015295.3 (MANE Select); coding-DNA position 4493, C replaced by T.
Protein change: p.Pro1498Leu; replaces proline 1498 with leucine.
Molecular consequence: missense variant.
Genome position (GRCh38, 1-based): chr18:2,762,163, C>T. VCF-style: chr18-2762163-C-T. GRCh37 (hg19) VCF-style: chr18-2762161-C-T.
Other names: short protein forms P1498L.
Identifiers: ClinVar variation 3654726 (VCV003654726.2).
Genomic context (GRCh38, chr18:2,762,163, plus strand): 5'-AGGTTATAGTTGAAGTCCTGCCTAATCAACCTGTGAAGTTAGTACCTAAAATTAAACCAC[C>T]TACACCAGCTGTTTCAAATGTTCGCTCAGTTGCCAGTAGGACCTTGGTCAGAGATCTACA-3'
Protein context (NP_056110.2, residues 1488-1508): PVKLVPKIKP[Pro1498Leu]TPAVSNVRSV